The following is an entry in ClinVar:

ClinVar aggregate classification (germline): Uncertain significance (1 of 4 stars; one submission).

Conditions:
Cardiovascular phenotype. Identifiers: MedGen CN230736.

Submission:

Ambry Genetics
Classification: Uncertain significance for Cardiovascular phenotype. Last evaluated: 2026-04-23. Review status: criteria provided, single submitter. Criteria: Ambry Variant Classification Scheme 2023. Collection method: clinical testing. Allele origin: germline.
Comment: The p.L292I variant (also known as c.874C>A), located in coding exon 7 of the ENG gene, results from a C to A substitution at nucleotide position 874. The leucine at codon 292 is replaced by isoleucine, an amino acid with highly similar properties. This amino acid position is conserved. In addition, this alteration is predicted to be tolerated by in silico analysis. Based on the available evidence, the clinical significance of this variant remains unclear.

NM_001114753.3(ENG):c.874C>A (p.Leu292Ile)

Gene: ENG (endoglin; minus strand). Cytogenetic location: 9q34.11.
Variant type: single nucleotide variant.
Coding change: c.874C>A on transcript NM_001114753.3 (MANE Select); coding-DNA position 874, C replaced by A.
Protein change: p.Leu292Ile; replaces leucine 292 with isoleucine.
Molecular consequence: missense variant.
Genome position (GRCh38, 1-based): chr9:127,824,917, G>T on the plus strand (C>A on the coding strand, the complement: ENG is on the minus strand). VCF-style: chr9-127824917-G-T. GRCh37 (hg19) VCF-style: chr9-130587196-G-T.
Other names: c.874C>A, p.Leu292Ile (NM_000118.4, NM_001406715.1); c.328C>A, p.Leu110Ile (NM_001278138.2); short protein forms L110I, L292I.
Identifiers: ClinVar variation 4870458 (VCV004870458.1).